The following is an entry in ClinVar:

NM_004385.5(VCAN):c.7230G>T (p.Met2410Ile)

Genes: VCAN (versican; plus strand), VCAN-AS1 (VCAN antisense RNA 1; minus strand). Cytogenetic location: 5q14.3.
Variant type: single nucleotide variant.
Coding change: c.7230G>T on transcript NM_004385.5 (MANE Select); coding-DNA position 7230, G replaced by T.
Protein change: p.Met2410Ile; replaces methionine 2410 with isoleucine.
Molecular consequence: missense variant. On other transcripts: intron variant (2).
Genome position (GRCh38, 1-based): chr5:83,540,233, G>T. VCF-style: chr5-83540233-G-T. GRCh37 (hg19) VCF-style: chr5-82836052-G-T.
Other names: c.4269G>T, p.Met1423Ile (NM_001164097.2); c.4004-5304G>T (NM_001164098.2); c.1043-5304G>T (NM_001126336.3); c.7230G>T (NM_004385.4); short protein forms M1423I, M2410I.
Identifiers: ClinVar variation 1920496 (VCV001920496.7), dbSNP rs1746914463, ClinGen allele CA360314292.

ClinVar aggregate classification (germline): Uncertain significance. Review status: criteria provided, multiple submitters, no conflicts (2 of 4 stars). 3 submissions from 3 submitters: Uncertain significance (3). Last evaluated 2025-06-10.

Conditions:
VCAN-related disorder. Also called: VCAN-related condition.
Inborn genetic diseases. Identifiers: MedGen C0950123, MeSH D030342.

Allele frequency attached by ClinVar (database versions not stated): gnomAD exomes below 0.00001.
gnomAD v4.1: 3 of 1,613,888 alleles (0.00019%); highest among the groups gnomAD compares: African/African-American, 0.004%; no homozygotes.

Submissions (3):

Labcorp Genetics (formerly Invitae), Labcorp
Classification: Uncertain significance. Last evaluated: 2025-06-10. Review status: criteria provided, single submitter. Criteria: Invitae Variant Classification Sherloc (09022015). Collection method: clinical testing. Allele origin: germline.
Comment: This sequence change replaces methionine, which is neutral and non-polar, with isoleucine, which is neutral and non-polar, at codon 2410 of the VCAN protein (p.Met2410Ile). This variant is not present in population databases (gnomAD no frequency). This variant has not been reported in the literature in individuals affected with VCAN-related conditions. ClinVar contains an entry for this variant (Variation ID: 1920496). An algorithm developed to predict the effect of missense changes on protein structure and function (PolyPhen-2) suggests that this variant is likely to be tolerated. In summary, the available evidence is currently insufficient to determine the role of this variant in disease. Therefore, it has been classified as a Variant of Uncertain Significance.

Ambry Genetics
Classification: Uncertain significance for Inborn genetic diseases. Last evaluated: 2024-09-10. Review status: criteria provided, single submitter. Criteria: Ambry Variant Classification Scheme 2023. Collection method: clinical testing. Allele origin: germline.

PreventionGenetics, part of Exact Sciences
Classification: Uncertain significance for VCAN-related condition. Last evaluated: 2022-08-26. Review status: criteria provided, single submitter. Criteria: ACMG Guidelines, 2015. Collection method: clinical testing. Allele origin: germline.
Comment: The VCAN c.7230G>T variant is predicted to result in the amino acid substitution p.Met2410Ile. To our knowledge, this variant has not been reported in the literature or in a large population database, indicating this variant is rare. This alteration is located in exon eight. At this time, the clinical significance of this variant is uncertain due to the absence of conclusive functional and genetic evidence. The primary variants associated with Wagner syndrome are in or near the canonical splice junctions of VCAN introns seven and eight, and deletions that include exon eight. Missense variants are not a well-documented cause of disease.